The following is an entry in ClinVar:

ClinVar aggregate classification (germline): Uncertain significance. Review status: criteria provided, multiple submitters, no conflicts (2 of 4 stars). 3 submissions from 3 submitters: Uncertain significance (3). Last evaluated 2024-07-08.

Conditions:
Inborn genetic diseases. Identifiers: MedGen C0950123, MeSH D030342.
Immunodeficiency 31B. Also called: IMMUNODEFICIENCY 31B, MYCOBACTERIAL AND VIRAL INFECTIONS, AUTOSOMAL RECESSIVE; STAT1 DEFICIENCY, AUTOSOMAL RECESSIVE. Identifiers: Orphanet 391311, MedGen C3151088, MONDO:0013427, OMIM 613796.
Mendelian susceptibility to mycobacterial diseases due to partial STAT1 deficiency. Also called: IMMUNODEFICIENCY 31A, MYCOBACTERIOSIS, AUTOSOMAL DOMINANT; STAT1 DEFICIENCY, AUTOSOMAL DOMINANT; Immunodeficiency 31a. Identifiers: Orphanet 319595, MedGen C4013950, MONDO:0013956, OMIM 614892.
Autoimmune enteropathy and endocrinopathy - susceptibility to chronic infections syndrome. Also called: Immunodeficiency 31C; Immunodeficiency 31C, autosomal dominant. Identifiers: Orphanet 391487, MedGen C3279990, MONDO:0013599, OMIM 614162.

Allele frequency attached by ClinVar (database versions not stated): gnomAD 0.00001 and 0.00003.
gnomAD v4.1: 7 of 1,610,310 alleles (0.00043%); highest among the groups gnomAD compares: Admixed American, 0.0067%; no homozygotes.

Submissions (3):

Blueprint Genetics
Classification: Uncertain significance. Last evaluated: 2024-07-08. Review status: criteria provided, single submitter. Criteria: ACMG Guidelines, 2015. Collection method: clinical testing. Allele origin: germline.

Labcorp Genetics (formerly Invitae), Labcorp
Classification: Uncertain significance for Mendelian susceptibility to mycobacterial diseases due to partial STAT1 deficiency; Immunodeficiency 31B; Autoimmune enteropathy and endocrinopathy - susceptibility to chronic infections syndrome. Last evaluated: 2024-01-10. Review status: criteria provided, single submitter. Criteria: Invitae Variant Classification Sherloc (09022015). Collection method: clinical testing. Allele origin: germline.
Comment: This sequence change replaces threonine, which is neutral and polar, with serine, which is neutral and polar, at codon 373 of the STAT1 protein (p.Thr373Ser). This variant is not present in population databases (gnomAD no frequency). This variant has not been reported in the literature in individuals affected with STAT1-related conditions. ClinVar contains an entry for this variant (Variation ID: 968726). An algorithm developed to predict the effect of missense changes on protein structure and function (PolyPhen-2) suggests that this variant is likely to be tolerated. In summary, the available evidence is currently insufficient to determine the role of this variant in disease. Therefore, it has been classified as a Variant of Uncertain Significance.

Ambry Genetics
Classification: Uncertain significance for Inborn genetic diseases. Last evaluated: 2023-03-06. Review status: criteria provided, single submitter. Criteria: Ambry Variant Classification Scheme 2023. Collection method: clinical testing. Allele origin: germline.

NM_007315.4(STAT1):c.1117A>T (p.Thr373Ser)

Gene: STAT1 (signal transducer and activator of transcription 1; minus strand). Cytogenetic location: 2q32.2.
Variant type: single nucleotide variant.
Coding change: c.1117A>T on transcript NM_007315.4 (MANE Select); coding-DNA position 1117, A replaced by T.
Protein change: p.Thr373Ser; replaces threonine 373 with serine.
Molecular consequence: missense variant. On other transcripts: intron variant (1).
Genome position (GRCh38, 1-based): chr2:190,987,049, T>A on the plus strand (A>T on the coding strand, the complement: STAT1 is on the minus strand). VCF-style: chr2-190987049-T-A. GRCh37 (hg19) VCF-style: chr2-191851775-T-A.
Other names: c.1057A>T, p.Thr353Ser (NM_001384880.1); c.1123A>T, p.Thr375Ser (NM_001384881.1, NM_001384884.1); c.1117A>T, p.Thr373Ser (NM_001384882.1, NM_001384886.1, NM_001384889.1 and 1 more transcripts); c.1018A>T, p.Thr340Ser (NM_001384883.1); c.958A>T, p.Thr320Ser (NM_001384885.1); c.1024A>T, p.Thr342Ser (NM_001384887.1); c.1027A>T, p.Thr343Ser (NM_001384890.1); c.1153A>T, p.Thr385Ser (NM_001384891.1); and 1 more; short protein forms T373S, T320S, T340S, T342S, T343S, T353S, T375S, T385S.
Identifiers: ClinVar variation 968726 (VCV000968726.11), dbSNP rs768434440, ClinGen allele CA62672780.